The following is an entry in ClinVar:

ClinVar aggregate classification (germline): Uncertain significance (1 of 4 stars; one submission).

Submission:

GeneDx
Classification: Uncertain significance. Last evaluated: 2019-06-20. Review status: criteria provided, single submitter. Criteria: GeneDx Variant Classification Process June 2021. Collection method: clinical testing. Allele origin: germline. Affected: yes.
Comment: Not observed in large population cohorts (Lek et al., 2016); In silico analysis, which includes protein predictors and evolutionary conservation, supports a deleterious effect; In-silico analysis, which includes splice predictors and evolutionary conservation, is inconclusive as to whether the variant alters gene splicing. In the absence of RNA/functional studies, the actual effect of this sequence change is unknown.; Has not been previously published as pathogenic or benign to our knowledge

NM_001127222.2(CACNA1A):c.2074T>C (p.Tyr692His)

Gene: CACNA1A (calcium voltage-gated channel subunit alpha1 A; minus strand). Cytogenetic location: 19p13.13.
Variant type: single nucleotide variant.
Coding change: c.2074T>C on transcript NM_001127222.2 (MANE Select); coding-DNA position 2074, T replaced by C.
Protein change: p.Tyr692His; replaces tyrosine 692 with histidine.
Molecular consequence: missense variant.
Genome position (GRCh38, 1-based): chr19:13,303,797, A>G on the plus strand (T>C on the coding strand, the complement: CACNA1A is on the minus strand). VCF-style: chr19-13303797-A-G. GRCh37 (hg19) VCF-style: chr19-13414611-A-G.
Other names: c.2077T>C, p.Tyr693His (NM_000068.4, NM_001127221.2, NM_001174080.2 and 1 more transcripts); short protein forms Y692H, Y693H.
Identifiers: ClinVar variation 1302158 (VCV001302158.2), dbSNP rs2144980511, ClinGen allele CA404344323.